The following is an entry in ClinVar:

NM_015559.3(SETBP1):c.2645C>T (p.Ala882Val)

Gene: SETBP1 (SET binding protein 1; plus strand). Cytogenetic location: 18q12.3.
Variant type: single nucleotide variant.
Coding change: c.2645C>T on transcript NM_015559.3 (MANE Select); coding-DNA position 2645, C replaced by T.
Protein change: p.Ala882Val; replaces alanine 882 with valine.
Molecular consequence: missense variant.
Genome position (GRCh38, 1-based): chr18:44,951,985, C>T. VCF-style: chr18-44951985-C-T. GRCh37 (hg19) VCF-style: chr18-42531950-C-T.
Other names: c.2645C>T, p.Ala882Val (NM_001379141.1, NM_001379142.1); short protein forms A882V.
Identifiers: ClinVar variation 1359336 (VCV001359336.8), dbSNP rs756648583, ClinGen allele CA8945768.

ClinVar aggregate classification (germline): Uncertain significance (1 of 4 stars; one submission).

Allele frequency attached by ClinVar (database versions not stated): TOPMed below 0.00001; ExAC 0.00001; gnomAD 0.00001.
gnomAD v4.1: 8 of 1,613,926 alleles (0.0005%); highest among the groups gnomAD compares: Non-Finnish European, 0.00059%; no homozygotes.

Submission:

Labcorp Genetics (formerly Invitae), Labcorp
Classification: Uncertain significance. Last evaluated: 2022-09-06. Review status: criteria provided, single submitter. Criteria: Invitae Variant Classification Sherloc (09022015). Collection method: clinical testing. Allele origin: germline.
Comment: In summary, the available evidence is currently insufficient to determine the role of this variant in disease. Therefore, it has been classified as a Variant of Uncertain Significance. Algorithms developed to predict the effect of missense changes on protein structure and function (SIFT, PolyPhen-2, Align-GVGD) all suggest that this variant is likely to be disruptive. ClinVar contains an entry for this variant (Variation ID: 1359336). This variant has not been reported in the literature in individuals affected with SETBP1-related conditions. This variant is present in population databases (rs756648583, gnomAD 0.002%). This sequence change replaces alanine, which is neutral and non-polar, with valine, which is neutral and non-polar, at codon 882 of the SETBP1 protein (p.Ala882Val).